The following is an entry in ClinVar:

NM_001080517.3(SETD5):c.1572C>G (p.Asn524Lys)

Gene: SETD5 (SET domain containing 5; plus strand). Cytogenetic location: 3p25.3.
Variant type: single nucleotide variant.
Coding change: c.1572C>G on transcript NM_001080517.3 (MANE Select); coding-DNA position 1572, C replaced by G.
Protein change: p.Asn524Lys; replaces asparagine 524 with lysine.
Molecular consequence: missense variant.
Genome position (GRCh38, 1-based): chr3:9,447,097, C>G. VCF-style: chr3-9447097-C-G. GRCh37 (hg19) VCF-style: chr3-9488781-C-G.
Other names: c.1278C>G, p.Asn426Lys (NM_001292043.2, NM_001349451.2); c.1668C>G, p.Asn556Lys (NM_001437633.1); c.1629C>G, p.Asn543Lys (NM_001437635.1); c.1572C>G, p.Asn524Lys (NM_001437643.1); c.1611C>G, p.Asn537Lys (NM_001437701.1); short protein forms N426K, N524K, N537K, N543K, N556K.
Identifiers: ClinVar variation 4882138 (VCV004882138.2).

ClinVar aggregate classification (germline): Uncertain significance (1 of 4 stars; one submission).

Conditions:
Intellectual disability-facial dysmorphism syndrome due to SETD5 haploinsufficiency (MRD23). Also called: Intellectual developmental disorder, autosomal dominant 23. Identifiers: Orphanet 404440, MedGen C3810406, MONDO:0014336, OMIM 615761.

Submission:

Dasa
Classification: Uncertain significance for Intellectual disability-facial dysmorphism syndrome due to SETD5 haploinsufficiency. Last evaluated: 2025-10-15. Review status: criteria provided, single submitter. Criteria: DASA Assertion Criteria. Collection method: clinical testing. Allele origin: germline.
Comment: NM_001080517.3(SETD5):c.1572C>G (p.Asn524Lys) is a missense variant that results in the substitution of asparagine with lysine. This variant is absent from population databases. Computational prediction algorithms are consistent with a benign effect. The currently available literature and clinical evidence are not sufficient to establish a definitive association between this variant and the reported condition. Therefore, this variant is classified as a variant of uncertain significance.